The following is an entry in ClinVar:

NM_001378452.1(ITPR1):c.4912G>T (p.Val1638Phe)

Genes: BRRIAR (BHLHE40 and RIG-I regulating ITPR1 antisense RNA; minus strand), ITPR1 (inositol 1,4,5-trisphosphate receptor type 1; plus strand). Cytogenetic location: 3p26.1.
Variant type: single nucleotide variant.
Coding change: c.4912G>T on transcript NM_001378452.1 (MANE Select); coding-DNA position 4912, G replaced by T.
Protein change: p.Val1638Phe; replaces valine 1638 with phenylalanine.
Molecular consequence: missense variant.
Genome position (GRCh38, 1-based): chr3:4,710,394, G>T. VCF-style: chr3-4710394-G-T. GRCh37 (hg19) VCF-style: chr3-4752078-G-T.
Other names: c.4885G>T, p.Val1629Phe (NM_001099952.4); c.4867G>T, p.Val1623Phe (NM_001168272.2); c.4840G>T, p.Val1614Phe (NM_002222.7); short protein forms V1629F, V1638F, V1614F, V1623F.
Identifiers: ClinVar variation 1347483 (VCV001347483.6), dbSNP rs2125280332, ClinGen allele CA351635954.
Genomic context (GRCh38, chr3:4,710,394, plus strand): 5'-TCCGCGCTGGAGGACCGTCTCAGGCCCCTGGTGCAGGCAGAGTTATCTGTGCTCGTGGAT[G>T]TTCTCCACAGACCCGAGCTGCTTTTCCCAGAGAACACAGACGCCAGAAGGAAATGTGAAA-3'
Protein context (NP_001365381.1, residues 1628-1648): VQAELSVLVD[Val1638Phe]LHRPELLFPE

ClinVar aggregate classification (germline): Uncertain significance (1 of 4 stars; one submission).

Submission:

Labcorp Genetics (formerly Invitae), Labcorp
Classification: Uncertain significance. Last evaluated: 2021-10-27. Review status: criteria provided, single submitter. Criteria: Invitae Variant Classification Sherloc (09022015). Collection method: clinical testing. Allele origin: germline.
Comment: This sequence change replaces valine, a(n) neutral and non-polar amino acid, with phenylalanine, a(n) neutral and non-polar amino acid, at codon 1614 of the ITPR1 protein (p.Val1614Phe). This variant is not present in population databases (gnomAD no frequency). This variant has not been reported in the literature in individuals affected with ITPR1-related conditions. Algorithms developed to predict the effect of missense changes on protein structure and function are either unavailable or do not agree on the potential impact of this missense change (SIFT: "Deleterious"; PolyPhen-2: "Probably Damaging"; Align-GVGD: "Class C0"). In summary, the available evidence is currently insufficient to determine the role of this variant in disease. Therefore, it has been classified as a Variant of Uncertain Significance.